The following is an entry in ClinVar:

ClinVar aggregate classification (germline): Likely benign. Review status: criteria provided, multiple submitters, no conflicts (2 of 4 stars). 2 submissions from 2 submitters: Likely benign (2). Last evaluated 2023-05-17.

Conditions:
Familial melanoma. Also called: Hereditary melanoma; Hereditary cutaneous melanoma. Identifiers: Orphanet 618, MedGen C1512419, MONDO:0018961.

Allele frequency attached by ClinVar (database versions not stated): gnomAD exomes below 0.00001.
gnomAD v4.1: 1 of 1,614,130 alleles (0.000062%); highest among the groups gnomAD compares: Admixed American, 0.0017%; no homozygotes.

Submissions (2):

Labcorp Genetics (formerly Invitae), Labcorp
Classification: Likely benign for Familial melanoma. Last evaluated: 2023-05-17. Review status: criteria provided, single submitter. Criteria: Invitae Variant Classification Sherloc (09022015). Collection method: clinical testing. Allele origin: germline.

GeneDx
Classification: Likely benign. Last evaluated: 2017-11-09. Review status: criteria provided, single submitter. Criteria: GeneDx Variant Classification (06012015). Collection method: clinical testing. Allele origin: germline. Affected: yes.
Comment: This variant is considered likely benign or benign based on one or more of the following criteria: it is a conservative change, it occurs at a poorly conserved position in the protein, it is predicted to be benign by multiple in silico algorithms, and/or has population frequency not consistent with disease.

NM_000077.5(CDKN2A):c.150+18A>G

Gene: CDKN2A (cyclin dependent kinase inhibitor 2A; minus strand). Cytogenetic location: 9p21.3.
Variant type: single nucleotide variant.
Coding change: c.150+18A>G on transcript NM_000077.5 (MANE Select); 18 bases into the intron after coding-DNA position 150, A replaced by G.
Molecular consequence: intron variant. On other transcripts: synonymous variant (1).
Genome position (GRCh38, 1-based): chr9:21,974,660, T>C on the plus strand (A>G on the coding strand, the complement: CDKN2A is on the minus strand). VCF-style: chr9-21974660-T-C. GRCh37 (hg19) VCF-style: chr9-21974659-T-C.
Other names: c.168A>G, p.Ala56= (NM_058197.5); c.-3-3452A>G (NM_001363763.2); c.194-3452A>G (NM_058195.4); c.150+18A>G (NM_001195132.2).
Identifiers: ClinVar variation 513391 (VCV000513391.4), dbSNP rs1251604295, ClinGen allele CA587106889.
Genomic context (GRCh38, chr9:21,974,660, plus strand): 5'-TGATTCCAATTCCCCTGCAAACTTCGTCCTCCAGAGTCGCCCGCCATCCCCTGCTCCCGC[T>C]GCAGACCCTCTACCCACCTGGATCGGCCTCCGACCGTAACTATTCGGTGCGTTGGGCAGC-3'